The following is an entry in ClinVar:

ClinVar aggregate classification (germline): Uncertain significance (1 of 4 stars; one submission).

Allele frequency attached by ClinVar (database versions not stated): gnomAD exomes below 0.00001; TOPMed below 0.00001; gnomAD 0.00001.
gnomAD v4.1: 8 of 1,602,308 alleles (0.0005%); highest among the groups gnomAD compares: Non-Finnish European, 0.000085%; no homozygotes.

Submission:

Labcorp Genetics (formerly Invitae), Labcorp
Classification: Uncertain significance. Last evaluated: 2022-11-22. Review status: criteria provided, single submitter. Criteria: Invitae Variant Classification Sherloc (09022015). Collection method: clinical testing. Allele origin: germline.
Comment: This sequence change replaces valine, which is neutral and non-polar, with leucine, which is neutral and non-polar, at codon 153 of the WDR4 protein (p.Val153Leu). The frequency data for this variant in the population databases is considered unreliable, as metrics indicate poor data quality at this position in the gnomAD database. This variant has not been reported in the literature in individuals affected with WDR4-related conditions. Advanced modeling of protein sequence and biophysical properties (such as structural, functional, and spatial information, amino acid conservation, physicochemical variation, residue mobility, and thermodynamic stability) performed at Invitae indicates that this missense variant is not expected to disrupt WDR4 protein function. In summary, the available evidence is currently insufficient to determine the role of this variant in disease. Therefore, it has been classified as a Variant of Uncertain Significance.

NM_018669.6(WDR4):c.457G>T (p.Val153Leu)

Gene: WDR4 (WDR4 tRNA N7-guanosine methyltransferase non-catalytic subunit; minus strand). Cytogenetic location: 21q22.3.
Variant type: single nucleotide variant.
Coding change: c.457G>T on transcript NM_018669.6 (MANE Select); coding-DNA position 457, G replaced by T.
Protein change: p.Val153Leu; replaces valine 153 with leucine.
Molecular consequence: missense variant. On other transcripts: non-coding transcript variant (1).
Genome position (GRCh38, 1-based): chr21:42,862,391, C>A on the plus strand (G>T on the coding strand, the complement: WDR4 is on the minus strand). VCF-style: chr21-42862391-C-A. GRCh37 (hg19) VCF-style: chr21-44282501-C-A.
Other names: c.457G>T, p.Val153Leu (NM_001260474.2, NM_033661.5); c.19G>T, p.Val7Leu (NM_001260475.2, NM_001260476.2, NM_001260477.2 and 1 more transcripts); short protein forms V153L, V7L.
Identifiers: ClinVar variation 2013665 (VCV002013665.4), dbSNP rs1298264193, ClinGen allele CA410393306.
Genomic context (GRCh38, chr21:42,862,391, plus strand): 5'-AGCTGACTCGGATCTTCTCGTCCCGGTCGGCAGTGAGGATGAAGCGGTCATCAGGACTCA[C>A]AGCCTGCATCACCAGGGGCCAGAAAAGAAAAAGCCGCTCACCTGAGTCTTCCCGAATCAA-3'
Protein context (NP_061139.2, residues 143-163): GHLSMLLDVA[Val153Leu]SPDDRFILTA